The following is an entry in ClinVar:

NM_000264.5(PTCH1):c.2066C>A (p.Pro689His)

Genes: PTCH1 (patched 1; minus strand), LOC100507346 (uncharacterized LOC100507346; plus strand). Cytogenetic location: 9q22.32.
Variant type: single nucleotide variant.
Coding change: c.2066C>A on transcript NM_000264.5 (MANE Select); coding-DNA position 2066, C replaced by A.
Protein change: p.Pro689His; replaces proline 689 with histidine.
Molecular consequence: missense variant. On other transcripts: non-coding transcript variant (2).
Genome position (GRCh38, 1-based): chr9:95,468,935, G>T on the plus strand (C>A on the coding strand, the complement: PTCH1 is on the minus strand). VCF-style: chr9-95468935-G-T. GRCh37 (hg19) VCF-style: chr9-98231217-G-T.
Other names: c.1868C>A, p.Pro623His (NM_001083602.3); c.2063C>A, p.Pro688His (NM_001083603.3); c.1613C>A, p.Pro538His (NM_001083604.3, NM_001083605.3, NM_001083606.3 and 1 more transcripts); c.1910C>A, p.Pro637His (NM_001354918.2); short protein forms P637H, P538H, P623H, P689H, P688H.
Identifiers: ClinVar variation 5027492 (VCV005027492.1).

ClinVar aggregate classification (germline): Uncertain significance (1 of 4 stars; one submission).

Conditions:
Hereditary cancer-predisposing syndrome. Also called: Neoplastic Syndromes, Hereditary; Tumor predisposition; Hereditary neoplastic syndrome; Hereditary Cancer Syndrome. Identifiers: Orphanet 140162, MedGen C0027672, MeSH D009386, MONDO:0015356.

Submission:

Ambry Genetics
Classification: Uncertain significance for Hereditary cancer-predisposing syndrome. Last evaluated: 2026-07-07. Review status: criteria provided, single submitter. Criteria: Ambry Variant Classification Scheme 2023. Collection method: clinical testing. Allele origin: germline.
Comment: The p.P623H variant (also known as c.1868C>A), located in coding exon 14 of the PTCH1 gene, results from a C to A substitution at nucleotide position 1868. The proline at codon 623 is replaced by histidine, an amino acid with similar properties. This amino acid position is conserved. In addition, the in silico prediction for this alteration is inconclusive. Based on the available evidence, the clinical significance of this variant remains unclear.